The following is an entry in ClinVar:

NM_000179.3(MSH6):c.570G>T (p.Arg190Ser)

Gene: MSH6 (mutS homolog 6; plus strand). Cytogenetic location: 2p16.3.
Variant type: single nucleotide variant.
Coding change: c.570G>T on transcript NM_000179.3 (MANE Select); coding-DNA position 570, G replaced by T.
Protein change: p.Arg190Ser; replaces arginine 190 with serine.
Molecular consequence: missense variant. On other transcripts: 5 prime UTR variant (2), non-coding transcript variant (5), intron variant (8).
Genome position (GRCh38, 1-based): chr2:47,796,006, G>T. VCF-style: chr2-47796006-G-T. GRCh37 (hg19) VCF-style: chr2-48023145-G-T.
Other names: c.-333G>T (NM_001281494.2); c.666G>T, p.Arg222Ser (NM_001406795.1, NM_001406802.1); c.570G>T, p.Arg190Ser (NM_001406796.1, NM_001406798.1, NM_001406800.1 and 5 more transcripts); c.273G>T, p.Arg91Ser (NM_001406797.1, NM_001406801.1, NM_001406805.1 and 10 more transcripts); c.45G>T, p.Arg15Ser (NM_001406799.1, NM_001406806.1, NM_001406807.1); c.492G>T, p.Arg164Ser (NM_001406804.1); c.576G>T, p.Arg192Ser (NM_001406813.1); c.-425G>T (NM_001406814.1); and 3 more; short protein forms R134S, R15S, R164S, R190S, R192S, R91S, R222S.
Identifiers: ClinVar variation 3398880 (VCV003398880.1).

ClinVar aggregate classification (germline): Uncertain significance (1 of 4 stars; one submission).

Conditions:
Hereditary cancer-predisposing syndrome. Also called: Hereditary Cancer Syndrome; Tumor predisposition; Hereditary neoplastic syndrome; Neoplastic Syndromes, Hereditary. Identifiers: Orphanet 140162, MedGen C0027672, MeSH D009386, MONDO:0015356.

Submission:

Ambry Genetics
Classification: Uncertain significance for Hereditary cancer-predisposing syndrome. Last evaluated: 2024-07-18. Review status: criteria provided, single submitter. Criteria: Ambry Variant Classification Scheme 2023. Collection method: clinical testing. Allele origin: germline.
Comment: The p.R190S variant (also known as c.570G>T), located in coding exon 3 of the MSH6 gene, results from a G to T substitution at nucleotide position 570. The arginine at codon 190 is replaced by serine, an amino acid with dissimilar properties. This amino acid position is conserved. In addition, this alteration is predicted to be deleterious by in silico analysis. Based on the available evidence, the clinical significance of this variant remains unclear.